The following is an entry in ClinVar:

NM_001025616.3(ARHGAP24):c.1467C>A (p.Ser489Arg)

Gene: ARHGAP24 (Rho GTPase activating protein 24; plus strand). Cytogenetic location: 4q21.23.
Variant type: single nucleotide variant.
Coding change: c.1467C>A on transcript NM_001025616.3 (MANE Select); coding-DNA position 1467, C replaced by A.
Protein change: p.Ser489Arg; replaces serine 489 with arginine.
Molecular consequence: missense variant.
Genome position (GRCh38, 1-based): chr4:85,995,121, C>A. VCF-style: chr4-85995121-C-A. GRCh37 (hg19) VCF-style: chr4-86916274-C-A.
Other names: c.1182C>A, p.Ser394Arg (NM_001042669.2); c.1212C>A, p.Ser404Arg (NM_001287805.2); c.888C>A, p.Ser296Arg (NM_001346093.2); c.1188C>A, p.Ser396Arg (NM_031305.3); short protein forms S396R, S296R, S394R, S489R, S404R.
Identifiers: ClinVar variation 3654813 (VCV003654813.2).
Genomic context (GRCh38, chr4:85,995,121, plus strand): 5'-TACCAAAATGGGCACGCACAGTGTACAGAATGGAACGGTGCGCATGGGCATTTTGAACAG[C>A]GACACACTCGGGAACCCCACAAATGTTCGAAACATGAGCTGGCTGCCAAATGGCTATGTG-3'
Protein context (NP_001020787.2, residues 479-499): NGTVRMGILN[Ser489Arg]DTLGNPTNVR

ClinVar aggregate classification (germline): Uncertain significance (1 of 4 stars; one submission).

Submission:

Labcorp Genetics (formerly Invitae), Labcorp
Classification: Uncertain significance. Last evaluated: 2024-05-27. Review status: criteria provided, single submitter. Criteria: Invitae Variant Classification Sherloc (09022015). Collection method: clinical testing. Allele origin: germline.
Comment: This sequence change replaces serine, which is neutral and polar, with arginine, which is basic and polar, at codon 489 of the ARHGAP24 protein (p.Ser489Arg). This variant is not present in population databases (gnomAD no frequency). This variant has not been reported in the literature in individuals affected with ARHGAP24-related conditions. An algorithm developed to predict the effect of missense changes on protein structure and function (PolyPhen-2) suggests that this variant is likely to be tolerated. In summary, the available evidence is currently insufficient to determine the role of this variant in disease. Therefore, it has been classified as a Variant of Uncertain Significance.